The following is an entry in ClinVar:

NM_015311.3(OBSL1):c.595G>C (p.Ala199Pro)

Gene: OBSL1 (obscurin like cytoskeletal adaptor 1; minus strand). Cytogenetic location: 2q35.
Variant type: single nucleotide variant.
Coding change: c.595G>C on transcript NM_015311.3 (MANE Select); coding-DNA position 595, G replaced by C.
Protein change: p.Ala199Pro; replaces alanine 199 with proline.
Molecular consequence: missense variant.
Genome position (GRCh38, 1-based): chr2:219,570,638, C>G on the plus strand (G>C on the coding strand, the complement: OBSL1 is on the minus strand). VCF-style: chr2-219570638-C-G. GRCh37 (hg19) VCF-style: chr2-220435360-C-G.
Other names: c.595G>C, p.Ala199Pro (NM_001173408.2, NM_001173431.2); short protein forms A199P.
Identifiers: ClinVar variation 4994655 (VCV004994655.1).
Genomic context (GRCh38, chr2:219,570,638, plus strand): 5'-GCGCGTGGCCGTGCGCGTTGCGGGCGTGGCACACGTAGACGCCGGAATCCGGCAGCCGAG[C>G]CGCCAGGATGCGCAGTGCCAGGCTCGCGCCGGGGCCGTCCTCGGCGCGGCCCGGCTGGAG-3'
Protein context (NP_056126.1, residues 189-209): GASLALRILA[Ala199Pro]RLPDSGVYVC

ClinVar aggregate classification (germline): Uncertain significance (1 of 4 stars; one submission).

Conditions:
OBSL1-related disorder. Also called: OBSL1-related condition.

Submission:

PreventionGenetics, part of Exact Sciences
Classification: Uncertain significance for OBSL1-related condition. Last evaluated: 2025-09-16. Review status: criteria provided, single submitter. Criteria: ACMG Guidelines, 2015. Collection method: clinical testing. Allele origin: germline.
Comment: The OBSL1 c.595G>C variant is predicted to result in the amino acid substitution p.Ala199Pro. To our knowledge, this variant has not been reported in the literature or in a large population database (gnomAD), indicating this variant is rare. At this time, the clinical significance of this variant is uncertain due to the absence of conclusive functional and genetic evidence.